The following is an entry in ClinVar:

NM_144666.3(DNHD1):c.753G>A (p.Gln251=)

Gene: DNHD1 (dynein heavy chain domain 1; plus strand). Cytogenetic location: 11p15.4.
Variant type: single nucleotide variant.
Coding change: c.753G>A on transcript NM_144666.3 (MANE Select); coding-DNA position 753, G replaced by A.
Protein change: p.Gln251=; no amino-acid change (glutamine 251 retained).
Molecular consequence: synonymous variant.
Genome position (GRCh38, 1-based): chr11:6,502,759, G>A. VCF-style: chr11-6502759-G-A. GRCh37 (hg19) VCF-style: chr11-6523989-G-A.
Other names: c.753G>A, p.Gln251= (NM_173589.4).
Identifiers: ClinVar variation 771745 (VCV000771745.20), dbSNP rs139180173, ClinGen allele CA5855399.

ClinVar aggregate classification (germline): Likely benign. Review status: criteria provided, multiple submitters, no conflicts (2 of 4 stars). 3 submissions from 3 submitters: Likely benign (3). Last evaluated 2024-08-01.

Allele frequency attached by ClinVar (database versions not stated): ExAC 0.00027; gnomAD exomes 0.00032 and 0.00084; gnomAD 0.00036 and 0.00038; 1000 Genomes Project 0.00040; TOPMed 0.00045; 1000 Genomes Project 30x 0.00047; ESP Exome Variant Server 0.00085.
gnomAD v4.1: 1,267 of 1,597,692 alleles (0.079%); highest among the groups gnomAD compares: Non-Finnish European, 0.1%; no homozygotes.

Submissions (3):

CeGaT Center for Human Genetics Tuebingen
Classification: Likely benign. Last evaluated: 2024-08-01. Review status: criteria provided, single submitter. Criteria: CeGaT Center For Human Genetics Tuebingen Variant Classification Criteria Version 2. Collection method: clinical testing. Allele origin: germline. Affected: yes. Observed: 1 variant allele.
Comment: DNHD1: BP4, BP7

Labcorp Genetics (formerly Invitae), Labcorp
Classification: Likely benign. Last evaluated: 2018-07-11. Review status: criteria provided, single submitter. Criteria: Invitae Variant Classification Sherloc (09022015). Collection method: clinical testing. Allele origin: germline.

Breakthrough Genomics
Classification: Likely benign. Review status: criteria provided, single submitter. Criteria: ACMG Guidelines, 2015. Collection method: not provided. Allele origin: germline. Inheritance: Autosomal recessive inheritance. Affected: yes.